The following is an entry in ClinVar:

ClinVar aggregate classification (germline): Uncertain significance. Review status: criteria provided, multiple submitters, no conflicts (2 of 4 stars). 2 submissions from 2 submitters: Uncertain significance (2). Last evaluated 2025-02-02.

Conditions:
Inborn genetic diseases. Identifiers: MedGen C0950123, MeSH D030342.
Baller-Gerold syndrome (BGS). Also called: CRANIOSYNOSTOSIS WITH RADIAL DEFECTS. Identifiers: Orphanet 1225, MedGen C0265308, MONDO:0009039, OMIM 218600.

gnomAD v4.1: 2 of 1,612,046 alleles (0.00012%); highest among the groups gnomAD compares: Non-Finnish European, 0.00017%; no homozygotes.

Submissions (2):

Ambry Genetics
Classification: Uncertain significance for Inborn genetic diseases. Last evaluated: 2025-02-02. Review status: criteria provided, single submitter. Criteria: Ambry Variant Classification Scheme 2023. Collection method: clinical testing. Allele origin: germline.
Comment: The p.P598A variant (also known as c.1792C>G), located in coding exon 11 of the RECQL4 gene, results from a C to G substitution at nucleotide position 1792. The proline at codon 598 is replaced by alanine, an amino acid with highly similar properties. This amino acid position is conserved. In addition, the in silico prediction for this alteration is inconclusive. Based on the available evidence, the clinical significance of this variant remains unclear.

Labcorp Genetics (formerly Invitae), Labcorp
Classification: Uncertain significance for Baller-Gerold syndrome. Last evaluated: 2023-10-11. Review status: criteria provided, single submitter. Criteria: Invitae Variant Classification Sherloc (09022015). Collection method: clinical testing. Allele origin: germline.
Comment: This sequence change replaces proline, which is neutral and non-polar, with alanine, which is neutral and non-polar, at codon 598 of the RECQL4 protein (p.Pro598Ala). This variant is not present in population databases (gnomAD no frequency). This variant has not been reported in the literature in individuals affected with RECQL4-related conditions. ClinVar contains an entry for this variant (Variation ID: 1009872). Advanced modeling of protein sequence and biophysical properties (such as structural, functional, and spatial information, amino acid conservation, physicochemical variation, residue mobility, and thermodynamic stability) performed at Invitae indicates that this missense variant is not expected to disrupt RECQL4 protein function. In summary, the available evidence is currently insufficient to determine the role of this variant in disease. Therefore, it has been classified as a Variant of Uncertain Significance.

NM_004260.4(RECQL4):c.1792C>G (p.Pro598Ala)

Gene: RECQL4 (RecQ like helicase 4; minus strand). Cytogenetic location: 8q24.3.
Variant type: single nucleotide variant.
Coding change: c.1792C>G on transcript NM_004260.4 (MANE Select); coding-DNA position 1792, C replaced by G.
Protein change: p.Pro598Ala; replaces proline 598 with alanine.
Molecular consequence: missense variant.
Genome position (GRCh38, 1-based): chr8:144,514,275, G>C on the plus strand (C>G on the coding strand, the complement: RECQL4 is on the minus strand). VCF-style: chr8-144514275-G-C. GRCh37 (hg19) VCF-style: chr8-145739659-G-C.
Other names: c.1792C>G (NM_004260.3); short protein forms P598A.
Identifiers: ClinVar variation 1009872 (VCV001009872.6), dbSNP rs1827827255, ClinGen allele CA372680921.